The following is an entry in ClinVar:

ClinVar aggregate classification (germline): Uncertain significance (1 of 4 stars; one submission).

Conditions:
Hereditary cancer-predisposing syndrome. Also called: Tumor predisposition; Neoplastic Syndromes, Hereditary; Hereditary Cancer Syndrome; Hereditary neoplastic syndrome. Identifiers: Orphanet 140162, MedGen C0027672, MeSH D009386, MONDO:0015356.

Submission:

Ambry Genetics
Classification: Uncertain significance for Hereditary cancer-predisposing syndrome. Last evaluated: 2024-08-26. Review status: criteria provided, single submitter. Criteria: Ambry Variant Classification Scheme 2023. Collection method: clinical testing. Allele origin: germline.
Comment: The p.P564R variant (also known as c.1691C>G), located in coding exon 9 of the BRCA2 gene, results from a C to G substitution at nucleotide position 1691. The proline at codon 564 is replaced by arginine, an amino acid with dissimilar properties. This amino acid position is highly conserved in available vertebrate species. In addition, this alteration is predicted to be tolerated by in silico analysis. Based on the available evidence, the clinical significance of this variant remains unclear.

NM_000059.4(BRCA2):c.1691C>G (p.Pro564Arg)

Gene: BRCA2 (BRCA2 DNA repair associated; plus strand). Cytogenetic location: 13q13.1.
Variant type: single nucleotide variant.
Coding change: c.1691C>G on transcript NM_000059.4 (MANE Select); coding-DNA position 1691, C replaced by G.
Protein change: p.Pro564Arg; replaces proline 564 with arginine.
Molecular consequence: missense variant. On other transcripts: non-coding transcript variant (1), intron variant (1).
Genome position (GRCh38, 1-based): chr13:32,333,169, C>G. VCF-style: chr13-32333169-C-G. GRCh37 (hg19) VCF-style: chr13-32907306-C-G.
Other names: c.1691C>G, p.Pro564Arg (NM_001406719.1, NM_001406720.1, NM_001406721.1 and 1 more transcripts); c.424+2139C>G (NM_001406722.1); short protein forms P564R.
Identifiers: ClinVar variation 3482054 (VCV003482054.1).
Genomic context (GRCh38, chr13:32,333,169, plus strand): 5'-CTGTTTGCTCACAGAAGGAGGACTCCTTATGTCCAAATTTAATTGATAATGGAAGCTGGC[C>G]AGCCACCACCACACAGAATTCTGTAGCTTTGAAGAATGCAGGTTTAATATCCACTTTGAA-3'
Protein context (NP_000050.3, residues 554-574): CPNLIDNGSW[Pro564Arg]ATTTQNSVAL